The following is an entry in ClinVar:

NM_006391.3(IPO7):c.2048A>G (p.Gln683Arg)

Gene: IPO7 (importin 7; plus strand). Cytogenetic location: 11p15.4.
Variant type: single nucleotide variant.
Coding change: c.2048A>G on transcript NM_006391.3 (MANE Select); coding-DNA position 2048, A replaced by G.
Protein change: p.Gln683Arg; replaces glutamine 683 with arginine.
Molecular consequence: missense variant.
Genome position (GRCh38, 1-based): chr11:9,433,820, A>G. VCF-style: chr11-9433820-A-G. GRCh37 (hg19) VCF-style: chr11-9455367-A-G.
Other names: short protein forms Q683R.
Identifiers: ClinVar variation 4679259 (VCV004679259.1).

ClinVar aggregate classification (germline): Uncertain significance (1 of 4 stars; one submission).

gnomAD v4.1: 5 of 1,611,398 alleles (0.00031%); highest among the groups gnomAD compares: Non-Finnish European, 0.00042%; no homozygotes.

Submission:

Ambry Genetics
Classification: Uncertain significance. Last evaluated: 2025-10-28. Review status: criteria provided, single submitter. Criteria: Ambry Variant Classification Scheme 2023. Collection method: clinical testing. Allele origin: germline.
Comment: The c.2048A>G (p.Q683R) alteration is located in exon 18 (coding exon 18) of the IPO7 gene. This alteration results from a A to G substitution at nucleotide position 2048, causing the glutamine (Q) at amino acid position 683 to be replaced by an arginine (R). Based on data from gnomAD, the G allele has an overall frequency of 0.001% (2/250892) total alleles studied. The highest observed frequency was 0.002% (2/113548) of European (non-Finnish) alleles. Based on insufficient or conflicting evidence, the clinical significance of this alteration remains unclear.